The following is an entry in ClinVar:

ClinVar aggregate classification (germline): Uncertain significance. Review status: criteria provided, multiple submitters, no conflicts (2 of 4 stars). 2 submissions from 2 submitters: Uncertain significance (2). Last evaluated 2024-04-18.

Conditions:
Schizophrenia 4 (SCZD4). Also called: SCHIZOPHRENIA SUSCEPTIBILITY LOCUS, CHROMOSOME 22q11-RELATED; SCHIZOPHRENIA, SUSCEPTIBILITY TO, 4. Identifiers: MedGen C1833247, MONDO:0010943, OMIM 600850.
Proline dehydrogenase deficiency (HYRPRO1). Also called: Hyperprolinemia type 1; PROLINE OXIDASE DEFICIENCY. Identifiers: Orphanet 419, MedGen C0268529, MONDO:0009400, OMIM 239500.

Allele frequency attached by ClinVar (database versions not stated): ExAC 0.00003; ESP Exome Variant Server 0.00008.

Submissions (2):

Fulgent Genetics
Classification: Uncertain significance for Proline dehydrogenase deficiency; Schizophrenia 4. Last evaluated: 2024-04-18. Review status: criteria provided, single submitter. Criteria: ACMG Guidelines, 2015. Collection method: clinical testing. Allele origin: germline.

GeneDx
Classification: Uncertain significance. Last evaluated: 2022-07-25. Review status: criteria provided, single submitter. Criteria: GeneDx Variant Classification Process June 2021. Collection method: clinical testing. Allele origin: germline. Affected: yes.
Comment: In silico analysis supports that this missense variant has a deleterious effect on protein structure/function; Has not been previously published as pathogenic or benign to our knowledge

NM_016335.6(PRODH):c.653G>T (p.Cys218Phe)

Gene: PRODH (proline dehydrogenase 1; minus strand). Cytogenetic location: 22q11.21.
Variant type: single nucleotide variant.
Coding change: c.653G>T on transcript NM_016335.6 (MANE Select); coding-DNA position 653, G replaced by T.
Protein change: p.Cys218Phe; replaces cysteine 218 with phenylalanine.
Molecular consequence: missense variant.
Genome position (GRCh38, 1-based): chr22:18,925,065, C>A on the plus strand (G>T on the coding strand, the complement: PRODH is on the minus strand). VCF-style: chr22-18925065-C-A. GRCh37 (hg19) VCF-style: chr22-18912578-C-A.
Other names: c.329G>T, p.Cys110Phe (NM_001195226.2, NM_001368250.2); short protein forms C110F, C218F.
Identifiers: ClinVar variation 2412917 (VCV002412917.4), dbSNP rs138400750, ClinGen allele CA10095322.